The following is an entry in ClinVar:

NM_033453.4(ITPA):c.343C>T (p.Leu115Phe)

Gene: ITPA (inosine triphosphatase; plus strand). Cytogenetic location: 20p13.
Variant type: single nucleotide variant.
Coding change: c.343C>T on transcript NM_033453.4 (MANE Select); coding-DNA position 343, C replaced by T.
Protein change: p.Leu115Phe; replaces leucine 115 with phenylalanine.
Molecular consequence: missense variant. On other transcripts: synonymous variant (4), non-coding transcript variant (2).
Genome position (GRCh38, 1-based): chr20:3,218,564, C>T. VCF-style: chr20-3218564-C-T. GRCh37 (hg19) VCF-style: chr20-3199210-C-T.
Other names: c.220C>T, p.Leu74Phe (NM_001267623.2); c.6C>T, p.Arg2= (NM_001324236.2, NM_001324237.2, NM_001324238.2 and 1 more transcripts); c.343C>T, p.Leu115Phe (NM_001324240.2); c.292C>T, p.Leu98Phe (NM_181493.4); short protein forms L115F, L74F, L98F.
Identifiers: ClinVar variation 1059174 (VCV001059174.6), dbSNP rs538462304, ClinGen allele CA9741274.
Genomic context (GRCh38, chr20:3,218,564, plus strand): 5'-TGCCCACCCGCAGGTCTCCACCAGCTCCTGGCCGGGTTCGAGGACAAGTCAGCCTATGCG[C>T]TCTGCACGTTTGCACTCAGCACCGGGGACCCAAGCCAGCCCGTGCGCCTGTTCAGGGGCC-3'
Protein context (NP_258412.1, residues 105-125): AGFEDKSAYA[Leu115Phe]CTFALSTGDP

ClinVar aggregate classification (germline): Uncertain significance (1 of 4 stars; one submission).

Conditions:
Inosine triphosphatase deficiency. Also called: INOSINE TRIPHOSPHATE PYROPHOSPHOHYDROLASE DEFICIENCY. Identifiers: MedGen C0342800, MONDO:0013461, OMIM 613850.

Allele frequency attached by ClinVar (database versions not stated): gnomAD exomes below 0.00001 and 0.00001; ExAC 0.00001; gnomAD 0.00001; TOPMed 0.00002; 1000 Genomes Project 30x 0.00016; 1000 Genomes Project 0.00020.
gnomAD v4.1: 4 of 1,613,994 alleles (0.00025%); highest among the groups gnomAD compares: African/African-American, 0.004%; no homozygotes.

Submission:

Labcorp Genetics (formerly Invitae), Labcorp
Classification: Uncertain significance for Inosine triphosphatase deficiency. Last evaluated: 2021-09-02. Review status: criteria provided, single submitter. Criteria: Invitae Variant Classification Sherloc (09022015). Collection method: clinical testing. Allele origin: germline.
Comment: This sequence change replaces leucine with phenylalanine at codon 115 of the ITPA protein (p.Leu115Phe). The leucine residue is moderately conserved and there is a small physicochemical difference between leucine and phenylalanine. This variant is present in population databases (rs538462304, ExAC 0.002%). This variant has not been reported in the literature in individuals affected with ITPA-related conditions. Algorithms developed to predict the effect of missense changes on protein structure and function are either unavailable or do not agree on the potential impact of this missense change (SIFT: "Tolerated"; PolyPhen-2: "Probably Damaging"; Align-GVGD: "Class C0"). In summary, the available evidence is currently insufficient to determine the role of this variant in disease. Therefore, it has been classified as a Variant of Uncertain Significance.